The following is an entry in ClinVar:

NM_000059.4(BRCA2):c.2147dup (p.Cys717fs)

Gene: BRCA2 (BRCA2 DNA repair associated; plus strand). Cytogenetic location: 13q13.1.
Variant type: Duplication.
Coding change: c.2147dup on transcript NM_000059.4 (MANE Select); coding-DNA position 2147, one base duplicated (A; older notation c.2147dupA).
Protein change: p.Cys717fs; shifts the reading frame from cysteine 717.
Molecular consequence: frameshift variant.
Genome position (GRCh38, 1-based): chr13:32,336,502, A duplicated. VCF-style (leftmost placement, unchanged base first): chr13-32336501-C-CA. GRCh37 (hg19) VCF-style: chr13-32910638-C-CA.
Other names: 2375_2376insA; c.2147dupA (NM_000059.3); short protein forms C717fs.
Identifiers: ClinVar variation 266681 (VCV000266681.9), dbSNP rs886040408, ClinGen allele CA10589138.

ClinVar aggregate classification (germline): Pathogenic. Review status: reviewed by expert panel (3 of 4 stars). 4 submissions from 4 submitters: Pathogenic (1). 3 of the submissions do not count toward it. Last evaluated 2016-10-18.

Conditions:
Hereditary cancer-predisposing syndrome. Also called: Hereditary neoplastic syndrome; Tumor predisposition; Hereditary Cancer Syndrome; Neoplastic Syndromes, Hereditary. Identifiers: Orphanet 140162, MedGen C0027672, MeSH D009386, MONDO:0015356.
Breast-ovarian cancer, familial, susceptibility to, 2 (BROVCA2). Also called: BRCA2 Hereditary Breast and Ovarian Cancer. Identifiers: Orphanet 145, MedGen C2675520, MONDO:0012933, OMIM 612555. Disease mechanism: loss of function.

Submissions (4):

Evidence-based Network for the Interpretation of Germline Mutant Alleles (ENIGMA)
Classification: Pathogenic for Breast-ovarian cancer, familial, susceptibility to, 2. Last evaluated: 2016-10-18. Review status: reviewed by expert panel. Criteria: ENIGMA BRCA1/2 Classification Criteria (2015). Collection method: curation. Allele origin: germline.
Comment: Variant allele predicted to encode a truncated non-functional protein.

Variantyx, Inc.
Classification: Pathogenic for Breast-ovarian cancer, familial, susceptibility to, 2. Last evaluated: 2025-09-16. Review status: criteria provided, single submitter. Criteria: Variantyx Assertion Criteria 2022. Collection method: clinical testing. Allele origin: germline. Inheritance: Autosomal dominant inheritance. Affected: yes. Not counted in ClinVar's aggregate classification.
Comment: This is a frameshift variant in the BRCA2 gene (OMIM: 600185). Pathogenic variants in this gene have been associated with autosomal dominant susceptibility to familial breast ovarian cancer 2. This variant introduces a premature termination codon in exon 11 out of 27, an exon where a different proven pathogenic premature termination codon variant has been seen before (PM5_Strong) and is expected to result in loss of function, which is a known disease mechanism for BRCA2 in this disorder (PVS1) (PMID: 16644204, 26787237, 22006311, 30322717, 29961768, 27989354). This variant is absent from control populations (PM2). Other reputable laboratories have reported this variant as pathogenic or likely pathogenic, and this classification has been validated by an expert panel in ClinVar (PP5). Based on the current evidence, this variant is classified as pathogenic for autosomal dominant susceptibility to familial breast ovarian cancer 2.

Ambry Genetics
Classification: Pathogenic for Hereditary cancer-predisposing syndrome. Last evaluated: 2025-04-02. Review status: criteria provided, single submitter. Criteria: Ambry Variant Classification Scheme 2023. Collection method: clinical testing. Allele origin: germline. Not counted in ClinVar's aggregate classification.
Comment: The c.2147dupA pathogenic mutation, located in coding exon 10 of the BRCA2 gene, results from a duplication of A at nucleotide position 2147, causing a translational frameshift with a predicted alternate stop codon (p.C717Vfs*2). This variant is considered to be rare based on population cohorts in the Genome Aggregation Database (gnomAD). This alteration is expected to result in loss of function by premature protein truncation or nonsense-mediated mRNA decay. As such, this alteration is interpreted as a disease-causing mutation.

Consortium of Investigators of Modifiers of BRCA1/2 (CIMBA), c/o University of Cambridge
Classification: Pathogenic for Breast-ovarian cancer, familial, susceptibility to, 2. Last evaluated: 2015-10-02. Review status: criteria provided, single submitter. Criteria: CIMBA Mutation Classification guidelines May 2016. Collection method: clinical testing. Allele origin: germline. Not counted in ClinVar's aggregate classification.

Literature cited by the submitters: PubMed 16644204 (cited by Variantyx, Inc.); PubMed 26787237 (cited by Variantyx, Inc.); PubMed 22006311 (cited by Variantyx, Inc.); PubMed 30322717 (cited by Variantyx, Inc.); PubMed 29961768 (cited by Variantyx, Inc.); PubMed 27989354 (cited by Variantyx, Inc.).